The following is an entry in ClinVar:

NM_000256.3(MYBPC3):c.2432A>G (p.Lys811Arg)

Gene: MYBPC3 (myosin binding protein C3; minus strand). Cytogenetic location: 11p11.2.
Variant type: single nucleotide variant.
Coding change: c.2432A>G on transcript NM_000256.3 (MANE Select); coding-DNA position 2432, A replaced by G.
Protein change: p.Lys811Arg; replaces lysine 811 with arginine.
Molecular consequence: missense variant.
Genome position (GRCh38, 1-based): chr11:47,337,561, T>C on the plus strand (A>G on the coding strand, the complement: MYBPC3 is on the minus strand). VCF-style: chr11-47337561-T-C. GRCh37 (hg19) VCF-style: chr11-47359112-T-C.
Other names: short protein forms K811R.
Identifiers: ClinVar variation 689323 (VCV000689323.10), dbSNP rs1338707268, ClinGen allele CA380318484.

ClinVar aggregate classification (germline): Conflicting classifications of pathogenicity. Review status: criteria provided, conflicting classifications (1 of 4 stars). 3 submissions from 3 submitters: Likely pathogenic (1); Uncertain significance (2). Last evaluated 2025-04-22.

Conditions:
Hypertrophic cardiomyopathy. Also called: HYPERTROPHIC MYOCARDIOPATHY. Identifiers: Orphanet 217569, MedGen C0007194, MeSH D002312, MONDO:0005045, HP:0001639.
Left ventricular noncompaction 10 (LVNC10). Identifiers: Orphanet 154, Orphanet 54260, MedGen C3715165, MONDO:0014163, OMIM 615396.
Cardiomyopathy (CMYO). Also called: Cardiomyopathies. Identifiers: Orphanet 167848, MedGen C0878544, MONDO:0004994, HP:0001638. Inheritance: Various modes of inheritance.

Allele frequency attached by ClinVar (database versions not stated): gnomAD exomes below 0.00001.
gnomAD v4.1: 3 of 1,613,960 alleles (0.00019%); highest among the groups gnomAD compares: Non-Finnish European, 0.00025%; no homozygotes.

Submissions (3):

Labcorp Genetics (formerly Invitae), Labcorp
Classification: Uncertain significance for Hypertrophic cardiomyopathy. Last evaluated: 2025-04-22. Review status: criteria provided, single submitter. Criteria: Invitae Variant Classification Sherloc (09022015). Collection method: clinical testing. Allele origin: germline.
Comment: This sequence change replaces lysine, which is basic and polar, with arginine, which is basic and polar, at codon 811 of the MYBPC3 protein (p.Lys811Arg). This variant is not present in population databases (gnomAD no frequency). This missense change has been observed in individual(s) with hypertrophic cardiomyopathy (PMID: 12707239, 27532257, 33782553). ClinVar contains an entry for this variant (Variation ID: 689323). An algorithm developed to predict the effect of missense changes on protein structure and function (PolyPhen-2) suggests that this variant is likely to be disruptive. Algorithms developed to predict the effect of sequence changes on RNA splicing suggest that this variant may create or strengthen a splice site. In summary, the available evidence is currently insufficient to determine the role of this variant in disease. Therefore, it has been classified as a Variant of Uncertain Significance.

Color Diagnostics, LLC DBA Color Health
Classification: Uncertain significance for Cardiomyopathy. Last evaluated: 2020-08-06. Review status: criteria provided, single submitter. Criteria: ACMG Guidelines, 2015. Collection method: clinical testing. Allele origin: germline.
Comment: This missense variant replaces lysine with arginine at codon 811 of the MYBPC3 protein. Computational prediction suggests that this variant may not impact protein structure and function (internally defined REVEL score threshold <= 0.5, PMID: 27666373). To our knowledge, functional studies have not been reported for this variant. This variant has been reported in several individuals affected with hypertrophic cardiomyopathy (PMID: 12707239, 31534214; van Velzen 2018, dissertation, Erasmus University Rotterdam). This variant has not been identified in the general population by the Genome Aggregation Database (gnomAD). The available evidence is insufficient to determine the role of this variant in disease conclusively. Therefore, this variant is classified as a Variant of Uncertain Significance.

Heart Center, Academic Medical Center Amsterdam
Classification: Likely pathogenic for Left ventricular noncompaction 10. Last evaluated: 2018-12-01. Review status: criteria provided, single submitter. Criteria: ACMG Guidelines, 2015. Collection method: research. Allele origin: unknown. Affected: yes.

Literature cited by the submitters: PubMed 12707239 (cited by Labcorp Genetics (formerly Invitae), Labcorp); PubMed 27532257 (cited by Labcorp Genetics (formerly Invitae), Labcorp); PubMed 33782553 (cited by Labcorp Genetics (formerly Invitae), Labcorp).